The following is an entry in ClinVar:

ClinVar aggregate classification (germline): Conflicting classifications of pathogenicity. Review status: criteria provided, conflicting classifications (1 of 4 stars). 3 submissions from 3 submitters: Uncertain significance (2); Likely benign (1). Last evaluated 2025-02-04.

Conditions:
Hereditary cancer-predisposing syndrome. Also called: Neoplastic Syndromes, Hereditary; Tumor predisposition; Hereditary Cancer Syndrome; Hereditary neoplastic syndrome. Identifiers: Orphanet 140162, MedGen C0027672, MeSH D009386, MONDO:0015356.

Allele frequency attached by ClinVar (database versions not stated): ExAC 0.00001; gnomAD 0.00001; gnomAD exomes 0.00001; 1000 Genomes Project 30x 0.00016; 1000 Genomes Project 0.00020.
gnomAD v4.1: 7 of 1,592,394 alleles (0.00044%); highest among the groups gnomAD compares: South Asian, 0.0069%; no homozygotes.

Submissions (3):

GeneDx
Classification: Uncertain significance. Last evaluated: 2025-02-04. Review status: criteria provided, single submitter. Criteria: GeneDx Variant Classification Process June 2021. Collection method: clinical testing. Allele origin: germline. Affected: yes.
Comment: Not observed at significant frequency in large population cohorts (gnomAD); In silico analysis supports that this missense variant has a deleterious effect on protein structure/function; Has not been previously published as pathogenic or benign to our knowledge; Also known as 5308A>G; This variant is associated with the following publications: (PMID: 9002670, 22193408, 32377563, 31911673, 29884841)

Ambry Genetics
Classification: Uncertain significance for Hereditary cancer-predisposing syndrome. Last evaluated: 2024-08-26. Review status: criteria provided, single submitter. Criteria: Ambry Variant Classification Scheme 2023. Collection method: clinical testing. Allele origin: germline.
Comment: The p.R1694G variant (also known as c.5080A>G), located in coding exon 10 of the BRCA2 gene, results from an A to G substitution at nucleotide position 5080. The arginine at codon 1694 is replaced by glycine, an amino acid with dissimilar properties. This amino acid position is not well conserved in available vertebrate species. In addition, the in silico prediction for this alteration is inconclusive. Based on the available evidence, the clinical significance of this variant remains unclear.

University of Washington Department of Laboratory Medicine, University of Washington
Classification: Likely benign for Hereditary cancer-predisposing syndrome. Last evaluated: 2023-03-23. Review status: criteria provided, single submitter. Criteria: Dines et al. (Genet Med. 2020). Collection method: curation. Allele origin: germline.
Comment: Missense variant in a coldspot region where missense variants are very unlikely to be pathogenic (PMID:31911673).

BRCA2 exon 11 coldspot. Reclassification based on statistical prior probability.

NM_000059.4(BRCA2):c.5080A>G (p.Arg1694Gly)

Gene: BRCA2 (BRCA2 DNA repair associated; plus strand). Cytogenetic location: 13q13.1.
Variant type: single nucleotide variant.
Coding change: c.5080A>G on transcript NM_000059.4 (MANE Select); coding-DNA position 5080, A replaced by G.
Protein change: p.Arg1694Gly; replaces arginine 1694 with glycine.
Molecular consequence: missense variant.
Genome position (GRCh38, 1-based): chr13:32,339,435, A>G. VCF-style: chr13-32339435-A-G. GRCh37 (hg19) VCF-style: chr13-32913572-A-G.
Other names: short protein forms R1694G.
Identifiers: ClinVar variation 186231 (VCV000186231.9), dbSNP rs200265692, ClinGen allele CA021217.